The following is an entry in ClinVar:

NM_000038.6(APC):c.1598T>G (p.Leu533Arg)

Gene: APC (APC regulator of Wnt signaling pathway; plus strand). Cytogenetic location: 5q22.2.
Variant type: single nucleotide variant.
Coding change: c.1598T>G on transcript NM_000038.6 (MANE Select); coding-DNA position 1598, T replaced by G.
Protein change: p.Leu533Arg; replaces leucine 533 with arginine.
Molecular consequence: missense variant.
Genome position (GRCh38, 1-based): chr5:112,827,978, T>G. VCF-style: chr5-112827978-T-G. GRCh37 (hg19) VCF-style: chr5-112163675-T-G.
Other names: c.1598T>G, p.Leu533Arg (NM_001127510.3, NM_001354895.2); c.1544T>G, p.Leu515Arg (NM_001127511.3); c.1652T>G, p.Leu551Arg (NM_001354896.2); c.1628T>G, p.Leu543Arg (NM_001354897.2); c.1523T>G, p.Leu508Arg (NM_001354898.2); c.1514T>G, p.Leu505Arg (NM_001354899.2); c.1475T>G, p.Leu492Arg (NM_001354900.2); c.1421T>G, p.Leu474Arg (NM_001354901.2); and 5 more; short protein forms L250R, L407R, L442R, L508R, L533R, L492R, L505R, L515R.
Identifiers: ClinVar variation 926480 (VCV000926480.7), dbSNP rs1763880906, ClinGen allele CA16024796.

ClinVar aggregate classification (germline): Uncertain significance. Review status: criteria provided, multiple submitters, no conflicts (2 of 4 stars). 3 submissions from 3 submitters: Uncertain significance (3). Last evaluated 2026-09-07.

Conditions:
Classic or attenuated familial adenomatous polyposis. Identifiers: MedGen CN372698, MONDO:0021057.
Hereditary cancer-predisposing syndrome. Also called: Neoplastic Syndromes, Hereditary; Hereditary Cancer Syndrome; Tumor predisposition; Hereditary neoplastic syndrome. Identifiers: Orphanet 140162, MedGen C0027672, MeSH D009386, MONDO:0015356.

Allele frequency attached by ClinVar (database versions not stated): gnomAD exomes below 0.00001.
gnomAD v4.1: 1 of 1,613,110 alleles (0.000062%); highest among the groups gnomAD compares: Non-Finnish European, 0.000085%; no homozygotes.

Submissions (3):

Ambry Genetics
Classification: Uncertain significance for Hereditary cancer-predisposing syndrome. Last evaluated: 2026-09-07. Review status: criteria provided, single submitter. Criteria: Ambry Variant Classification Scheme 2023. Collection method: clinical testing. Allele origin: germline.
Comment: The p.L533R variant (also known as c.1598T>G), located in coding exon 12 of the APC gene, results from a T to G substitution at nucleotide position 1598. The leucine at codon 533 is replaced by arginine, an amino acid with dissimilar properties. This amino acid position is conserved. In addition, in silico predictors for this gene do not accurately predict pathogenicity. Based on the available evidence, the clinical significance of this variant remains unclear.

Color Diagnostics, LLC DBA Color Health
Classification: Uncertain significance for Hereditary cancer-predisposing syndrome. Last evaluated: 2024-03-06. Review status: criteria provided, single submitter. Criteria: ACMG Guidelines, 2015. Collection method: clinical testing. Allele origin: germline.
Comment: This missense variant replaces leucine with arginine at codon 533 of the APC protein. Computational prediction suggests that this variant may have deleterious impact on protein structure and function (internally defined REVEL score threshold >= 0.7, PMID: 27666373). To our knowledge, functional studies have not been reported for this variant. This variant has not been reported in individuals affected with APC-related disorders in the literature. This variant has not been identified in the general population by the Genome Aggregation Database (gnomAD). The available evidence is insufficient to determine the role of this variant in disease conclusively. Therefore, this variant is classified as a Variant of Uncertain Significance.

All of Us Research Program, National Institutes of Health
Classification: Uncertain significance for Classic or attenuated familial adenomatous polyposis. Last evaluated: 2023-10-06. Review status: criteria provided, single submitter. Criteria: ACMG Guidelines, 2015. Collection method: clinical testing. Allele origin: germline. Inheritance: Autosomal dominant inheritance. Observed: 1 variant allele, 1 heterozygote.
Comment: This missense variant replaces leucine with arginine at codon 533 of the APC protein. Computational prediction suggests that this variant may have deleterious impact on protein structure and function (internally defined REVEL score threshold >= 0.7, PMID: 27666373). Splice site prediction tools suggest that this variant may not impact RNA splicing. To our knowledge, functional studies have not been performed for this variant. This variant has not been reported in individuals affected with hereditary cancer in the literature. This variant has not been identified in the general population by the Genome Aggregation Database (gnomAD). The available evidence is insufficient to determine the role of this variant in disease conclusively. Therefore, this variant is classified as a Variant of Uncertain Significance.

This study involves interpretation of variants in research participants for the purpose of population health screening. Participant phenotype was not available at the time of variant classification. Additional details can be found in publication PMID: 35346344, PMCID: PMC8962531